The following is an entry in ClinVar:

NM_006206.6(PDGFRA):c.2881-3_2881-2del

Gene: PDGFRA (platelet derived growth factor receptor alpha; plus strand). Cytogenetic location: 4q12.
Variant type: Microsatellite.
Coding change: c.2881-3_2881-2del on transcript NM_006206.6 (MANE Select); 3 bases into the intron before coding-DNA position 2881 through the canonical splice acceptor site of the intron before coding-DNA position 2881, 2 bases deleted (TA; older notation c.2881-3_2881-2delTA).
Molecular consequence: splice acceptor variant.
Genome position (GRCh38, 1-based): chr4:54,290,310-54,290,311, TA deleted; deleting any 2 consecutive bases within chr4:54,290,308-54,290,311 gives the same sequence; the c. name uses the placement nearest the transcript's 3' end. VCF-style (leftmost placement, unchanged base first): chr4-54290307-TTA-T. GRCh37 (hg19) VCF-style: chr4-55156474-TTA-T.
Other names: c.2956-3_2956-2del (NM_001347828.2); c.2881-3_2881-2del (NM_001347829.2); c.2920-3_2920-2del (NM_001347830.2).
Identifiers: ClinVar variation 4825444 (VCV004825444.1).

ClinVar aggregate classification (germline): Uncertain significance (1 of 4 stars; one submission).

Conditions:
Hereditary cancer-predisposing syndrome. Also called: Neoplastic Syndromes, Hereditary; Tumor predisposition; Hereditary Cancer Syndrome; Hereditary neoplastic syndrome. Identifiers: Orphanet 140162, MedGen C0027672, MeSH D009386, MONDO:0015356.

Submission:

Ambry Genetics
Classification: Uncertain significance for Hereditary cancer-predisposing syndrome. Last evaluated: 2026-02-03. Review status: criteria provided, single submitter. Criteria: Ambry Variant Classification Scheme 2023. Collection method: clinical testing. Allele origin: germline.
Comment: The c.2881-3_2881-2delTA intronic variant, located in intron 20 of the PDGFRA gene, results from a deletion of two nucleotides at positions 2881-3 and 2881-2 within intron 20 of the PDGFRA gene. This nucleotide region is generally well conserved in available vertebrate species. In silico splice site analysis predicts that this alteration will not have any significant effect on splicing. Based on the available evidence, the clinical significance of this variant remains unclear.